The following is an entry in ClinVar:

NM_004329.3(BMPR1A):c.1365G>T (p.Leu455Phe)

Gene: BMPR1A (bone morphogenetic protein receptor type 1A; plus strand). Cytogenetic location: 10q23.2.
Variant type: single nucleotide variant.
Coding change: c.1365G>T on transcript NM_004329.3 (MANE Select); coding-DNA position 1365, G replaced by T.
Protein change: p.Leu455Phe; replaces leucine 455 with phenylalanine.
Molecular consequence: missense variant.
Genome position (GRCh38, 1-based): chr10:86,923,398, G>T. VCF-style: chr10-86923398-G-T. GRCh37 (hg19) VCF-style: chr10-88683155-G-T.
Other names: short protein forms L455F.
Identifiers: ClinVar variation 460483 (VCV000460483.14), dbSNP rs753694209, ClinGen allele CA211211528.

ClinVar aggregate classification (germline): Uncertain significance. Review status: criteria provided, multiple submitters, no conflicts (2 of 4 stars). 2 submissions from 2 submitters: Uncertain significance (2). Last evaluated 2026-08-18.

Conditions:
Hereditary cancer-predisposing syndrome. Also called: Neoplastic Syndromes, Hereditary; Hereditary neoplastic syndrome; Hereditary Cancer Syndrome; Tumor predisposition. Identifiers: Orphanet 140162, MedGen C0027672, MeSH D009386, MONDO:0015356.
Juvenile polyposis syndrome (JPS). Identifiers: Orphanet 2929, MedGen C0345893, MONDO:0017380, OMIM 174900.

Allele frequency attached by ClinVar (database versions not stated): gnomAD 0.00001; TOPMed 0.00001.
gnomAD v4.1: 5 of 1,614,014 alleles (0.00031%); highest among the groups gnomAD compares: Non-Finnish European, 0.00042%; no homozygotes.

Submissions (2):

Ambry Genetics
Classification: Uncertain significance for Hereditary cancer-predisposing syndrome. Last evaluated: 2026-08-18. Review status: criteria provided, single submitter. Criteria: Ambry Variant Classification Scheme 2023. Collection method: clinical testing. Allele origin: germline.
Comment: The p.L455F variant (also known as c.1365G>T), located in coding exon 10 of the BMPR1A gene, results from a G to T substitution at nucleotide position 1365. The leucine at codon 455 is replaced by phenylalanine, an amino acid with highly similar properties. This amino acid position is highly conserved in available vertebrate species. In addition, this alteration is predicted to be deleterious by in silico analysis. Based on the available evidence, the clinical significance of this variant remains unclear.

Labcorp Genetics (formerly Invitae), Labcorp
Classification: Uncertain significance for Juvenile polyposis syndrome. Last evaluated: 2025-01-23. Review status: criteria provided, single submitter. Criteria: Invitae Variant Classification Sherloc (09022015). Collection method: clinical testing. Allele origin: germline.
Comment: This sequence change replaces leucine, which is neutral and non-polar, with phenylalanine, which is neutral and non-polar, at codon 455 of the BMPR1A protein (p.Leu455Phe). This variant is not present in population databases (gnomAD no frequency). This variant has not been reported in the literature in individuals affected with BMPR1A-related conditions. ClinVar contains an entry for this variant (Variation ID: 460483). Invitae Evidence Modeling of protein sequence and biophysical properties (such as structural, functional, and spatial information, amino acid conservation, physicochemical variation, residue mobility, and thermodynamic stability) has been performed for this missense variant. However, the output from this modeling did not meet the statistical confidence thresholds required to predict the impact of this variant on BMPR1A protein function. In summary, the available evidence is currently insufficient to determine the role of this variant in disease. Therefore, it has been classified as a Variant of Uncertain Significance.

Literature cited by the submitters: PubMed 25186627 (cited by Ambry Genetics).